The following is an entry in ClinVar:

NM_003072.5(SMARCA4):c.3005C>T (p.Ala1002Val)

Gene: SMARCA4 (SWI/SNF related BAF chromatin remodeling complex subunit ATPase 4; plus strand). Cytogenetic location: 19p13.2.
Variant type: single nucleotide variant.
Coding change: c.3005C>T on transcript NM_003072.5 (MANE Select); coding-DNA position 3005, C replaced by T.
Protein change: p.Ala1002Val; replaces alanine 1002 with valine.
Molecular consequence: missense variant. On other transcripts: non-coding transcript variant (1).
Genome position (GRCh38, 1-based): chr19:11,024,362, C>T. VCF-style: chr19-11024362-C-T. GRCh37 (hg19) VCF-style: chr19-11135038-C-T.
Other names: c.3005C>T, p.Ala1002Val (NM_001128844.3, NM_001128845.2, NM_001128846.2 and 5 more transcripts); short protein forms A1002V.
Identifiers: ClinVar variation 537815 (VCV000537815.16), dbSNP rs1350288991, ClinGen allele CA404058892.

ClinVar aggregate classification (germline): Conflicting classifications of pathogenicity. Review status: criteria provided, conflicting classifications (1 of 4 stars). 3 submissions from 3 submitters: Uncertain significance (2); Likely benign (1). Last evaluated 2025-10-23.

Conditions:
Hereditary cancer-predisposing syndrome. Also called: Tumor predisposition; Hereditary Cancer Syndrome; Hereditary neoplastic syndrome; Neoplastic Syndromes, Hereditary. Identifiers: Orphanet 140162, MedGen C0027672, MeSH D009386, MONDO:0015356.
Intellectual disability, autosomal dominant 16 (CSS4). Also called: COFFIN-SIRIS SYNDROME 4. Identifiers: Orphanet 1465, MedGen C3553249, MONDO:0013821, OMIM 614609.
Rhabdoid tumor predisposition syndrome 2 (RTPS2). Identifiers: Orphanet 231108, Orphanet 69077, MedGen C2750074, MONDO:0013224, OMIM 613325.

Allele frequency attached by ClinVar (database versions not stated): gnomAD exomes below 0.00001; gnomAD 0.00001.
gnomAD v4.1: 2 of 1,612,632 alleles (0.00012%); highest among the groups gnomAD compares: Non-Finnish European, 0.00017%; no homozygotes.

Submissions (3):

Labcorp Genetics (formerly Invitae), Labcorp
Classification: Uncertain significance for Rhabdoid tumor predisposition syndrome 2. Last evaluated: 2025-10-23. Review status: criteria provided, single submitter. Criteria: Invitae Variant Classification Sherloc (09022015). Collection method: clinical testing. Allele origin: germline.
Comment: This sequence change replaces alanine, which is neutral and non-polar, with valine, which is neutral and non-polar, at codon 1002 of the SMARCA4 protein (p.Ala1002Val). This variant is present in population databases (no rsID available, gnomAD 0.007%). This variant has not been reported in the literature in individuals affected with SMARCA4-related conditions. ClinVar contains an entry for this variant (Variation ID: 537815). Invitae Evidence Modeling of protein sequence and biophysical properties (such as structural, functional, and spatial information, amino acid conservation, physicochemical variation, residue mobility, and thermodynamic stability) indicates that this missense variant is expected to disrupt SMARCA4 protein function with a positive predictive value of 95%. In summary, the available evidence is currently insufficient to determine the role of this variant in disease. Therefore, it has been classified as a Variant of Uncertain Significance.

Ambry Genetics
Classification: Likely benign for Hereditary cancer-predisposing syndrome. Last evaluated: 2025-09-20. Review status: criteria provided, single submitter. Criteria: Ambry Variant Classification Scheme 2023. Collection method: clinical testing. Allele origin: germline.

Genome-Nilou Lab
Classification: Uncertain significance for Intellectual disability, autosomal dominant 16. Last evaluated: 2021-07-15. Review status: criteria provided, single submitter. Criteria: ACMG Guidelines, 2015. Collection method: clinical testing. Allele origin: germline. Affected: no.